The following is an entry in ClinVar:

ClinVar aggregate classification (germline): Pathogenic (1 of 4 stars; one submission).

Submission:

Labcorp Genetics (formerly Invitae), Labcorp
Classification: Pathogenic. Last evaluated: 2022-08-21. Review status: criteria provided, single submitter. Criteria: Invitae Variant Classification Sherloc (09022015). Collection method: clinical testing. Allele origin: germline.
Comment: This sequence change creates a premature translational stop signal (p.Glu208*) in the ADAMTS18 gene. It is expected to result in an absent or disrupted protein product. Loss-of-function variants in ADAMTS18 are known to be pathogenic (PMID: 23818446, 24874986). This variant is not present in population databases (gnomAD no frequency). This variant has not been reported in the literature in individuals affected with ADAMTS18-related conditions. For these reasons, this variant has been classified as Pathogenic.

Literature cited by the submitters: PubMed 23818446; PubMed 24874986.

NM_199355.4(ADAMTS18):c.622G>T (p.Glu208Ter)

Gene: ADAMTS18 (ADAM metallopeptidase with thrombospondin type 1 motif 18; minus strand). Cytogenetic location: 16q23.1.
Variant type: single nucleotide variant.
Coding change: c.622G>T on transcript NM_199355.4 (MANE Select); coding-DNA position 622, G replaced by T.
Protein change: p.Glu208Ter; replaces glutamic acid 208 with a stop codon.
Molecular consequence: nonsense. On other transcripts: missense variant (1).
Genome position (GRCh38, 1-based): chr16:77,367,597, C>A on the plus strand (G>T on the coding strand, the complement: ADAMTS18 is on the minus strand). VCF-style: chr16-77367597-C-A. GRCh37 (hg19) VCF-style: chr16-77401494-C-A.
Other names: c.102G>T, p.Gln34His (NM_001326358.2); short protein forms E208*, Q34H.
Identifiers: ClinVar variation 2025896 (VCV002025896.4), dbSNP rs2144744609, ClinGen allele CA396825540.